The following is an entry in ClinVar:

ClinVar aggregate classification (germline): Likely pathogenic. Review status: criteria provided, multiple submitters, no conflicts (2 of 4 stars). 2 submissions from 2 submitters: Likely pathogenic (2). Last evaluated 2020-12-29.

Conditions:
Facial dysmorphism-lens dislocation-anterior segment abnormalities-spontaneous filtering blebs syndrome. Also called: Facial dysmorphism, lens dislocation, anterior segment abnormalities, and spontaneous filtering blebs; TRABOULSI SYNDROME. Identifiers: Orphanet 412022, MedGen C1832167, MONDO:0011106, OMIM 601552.
ASPH-related disorder. Also called: ASPH-related condition.

gnomAD v4.1: 43 of 1,612,964 alleles (0.0027%); highest among the groups gnomAD compares: South Asian, 0.0099%; no homozygotes.

Submissions (3):

Blueprint Genetics
Classification: Likely pathogenic for ASPH-related disorders. Last evaluated: 2020-12-29. Review status: criteria provided, single submitter. Criteria: ACMG Guidelines, 2015. Collection method: clinical testing. Allele origin: germline. Affected: yes. Observed: 3 variant alleles.

Juno Genomics, Hangzhou Juno Genomics, Inc
Classification: Likely pathogenic for Facial dysmorphism-lens dislocation-anterior segment abnormalities-spontaneous filtering blebs syndrome. Review status: criteria provided, single submitter. Criteria: ACMG Guidelines, 2015. Collection method: clinical testing. Allele origin: germline.
Comment: Absent from controls (or at extremely low frequency if recessive) in Genome Aggregation Database.;Multiple lines of computational evidence support a deleterious effect on the gene or gene product.;For recessive disorders, detected in trans with a pathogenic variant.;Patient's phenotype or family history is highly specific for a disease with a single genetic etiology.;Novel missense change at an amino acid residue where a different missense change determined to be pathogenic has been seen before.

Dr. Peter K. Rogan Lab, Western University
No classification provided (evidence only). Condition: Gastric cancer. Review status: no classification provided. Collection method: in vitro. Allele origin: not applicable. Functional consequence: retained intron. Not counted in ClinVar's aggregate classification.

NM_004318.4(ASPH):c.2204G>A (p.Arg735Gln)

Gene: ASPH (aspartate beta-hydroxylase; minus strand). Cytogenetic location: 8q12.3.
Variant type: single nucleotide variant.
Coding change: c.2204G>A on transcript NM_004318.4 (MANE Select); coding-DNA position 2204, G replaced by A.
Protein change: p.Arg735Gln; replaces arginine 735 with glutamine.
Molecular consequence: missense variant. On other transcripts: 3 prime UTR variant (4).
Genome position (GRCh38, 1-based): chr8:61,503,432, C>T on the plus strand (G>A on the coding strand, the complement: ASPH is on the minus strand). VCF-style: chr8-61503432-C-T. GRCh37 (hg19) VCF-style: chr8-62415991-C-T.
Other names: NC_000008.10:g.62415991C>T; c.2030G>A, p.Arg677Gln (NM_001413878.1); c.2027G>A, p.Arg676Gln (NM_001413879.1); c.2018G>A, p.Arg673Gln (NM_001413880.1, NM_001413881.1); c.2015G>A, p.Arg672Gln (NM_001413882.1); c.2000G>A, p.Arg667Gln (NM_001413883.1); c.1997G>A, p.Arg666Gln (NM_001413884.1); c.1988G>A, p.Arg663Gln (NM_001413885.1); and 37 more; short protein forms R531Q, R573Q, R659Q, R667Q, R688Q, R691Q, R707Q, R731Q.
Identifiers: ClinVar variation 4347901 (VCV004347901.4).
Genomic context (GRCh38, chr8:61,503,432, plus strand): 5'-AGGCTGCGTCTCTGCTGTGGTGTCAGTTCCGGATGCCACACATCCACGATGAATATCAGC[C>T]GGAAAGATGAGGCATCCTGCCATACCTCGTGCTCAAAGGAGTCATCAAAGATGAGCACCT-3'
Protein context (NP_004309.2, residues 725-745): HEVWQDASSF[Arg735Gln]LIFIVDVWHP